The following is an entry in ClinVar:

NM_017433.5(MYO3A):c.4545+2T>G

Gene: MYO3A (myosin IIIA; plus strand). Cytogenetic location: 10p12.1.
Variant type: single nucleotide variant.
Coding change: c.4545+2T>G on transcript NM_017433.5 (MANE Select); the canonical splice donor site of the intron after coding-DNA position 4545, T replaced by G.
Molecular consequence: splice donor variant.
Genome position (GRCh38, 1-based): chr10:26,193,313, T>G. VCF-style: chr10-26193313-T-G. GRCh37 (hg19) VCF-style: chr10-26482242-T-G.
Identifiers: ClinVar variation 3026306 (VCV003026306.22), dbSNP rs1036773401, ClinGen allele CA204395802.
Genomic context (GRCh38, chr10:26,193,313, plus strand): 5'-CCCGGAAACCCAAAACATTAAATAACCCTGAAGACTCCACATACTATTATCTACTTCATG[T>G]AAGTGGCTCACTCTTACTATCAGATGGGAGCCATCACATCTACTAATGGCCAGTGTGAAA-3'

ClinVar aggregate classification (germline): Pathogenic (1 of 4 stars; one submission).

Allele frequency attached by ClinVar (database versions not stated): gnomAD 0.00001; gnomAD exomes 0.00002; TOPMed 0.00002.
gnomAD v4.1: 31 of 1,604,852 alleles (0.0019%); highest among the groups gnomAD compares: Non-Finnish European, 0.0021%; no homozygotes.

Submission:

CeGaT Center for Human Genetics Tuebingen
Classification: Pathogenic. Last evaluated: 2024-02-01. Review status: criteria provided, single submitter. Criteria: CeGaT Center For Human Genetics Tuebingen Variant Classification Criteria Version 2. Collection method: clinical testing. Allele origin: germline. Affected: yes. Observed: 1 variant allele.
Comment: MYO3A: PVS1, PM2